The following is an entry in ClinVar:

ClinVar aggregate classification (germline): Uncertain significance. Review status: criteria provided, multiple submitters, no conflicts (2 of 4 stars). 2 submissions from 2 submitters: Uncertain significance (2). Last evaluated 2023-06-22.

Conditions:
Hereditary cancer-predisposing syndrome. Also called: Hereditary neoplastic syndrome; Neoplastic Syndromes, Hereditary; Hereditary Cancer Syndrome; Tumor predisposition. Identifiers: Orphanet 140162, MedGen C0027672, MeSH D009386, MONDO:0015356.
Tuberous sclerosis 2 (TSC2). Identifiers: Orphanet 805, MedGen C1860707, MONDO:0013199, OMIM 613254.

Allele frequency attached by ClinVar (database versions not stated): TOPMed below 0.00001.
gnomAD v4.1: 3 of 1,612,850 alleles (0.00019%); highest among the groups gnomAD compares: Non-Finnish European, 0.00025%; no homozygotes.

Submissions (2):

Ambry Genetics
Classification: Uncertain significance for Hereditary cancer-predisposing syndrome. Last evaluated: 2023-06-22. Review status: criteria provided, single submitter. Criteria: Ambry Variant Classification Scheme 2023. Collection method: clinical testing. Allele origin: germline.
Comment: The p.A1758V variant (also known as c.5273C>T), located in coding exon 41 of the TSC2 gene, results from a C to T substitution at nucleotide position 5273. The alanine at codon 1758 is replaced by valine, an amino acid with similar properties. This amino acid position is not well conserved in available vertebrate species. In addition, the in silico prediction for this alteration is inconclusive. Since supporting evidence is limited at this time, the clinical significance of this alteration remains unclear.

Labcorp Genetics (formerly Invitae), Labcorp
Classification: Uncertain significance for Tuberous sclerosis 2. Last evaluated: 2021-09-10. Review status: criteria provided, single submitter. Criteria: Invitae Variant Classification Sherloc (09022015). Collection method: clinical testing. Allele origin: germline.
Comment: This variant has not been reported in the literature in individuals affected with TSC2-related conditions. This sequence change replaces alanine with valine at codon 1758 of the TSC2 protein (p.Ala1758Val). The alanine residue is weakly conserved and there is a small physicochemical difference between alanine and valine. This variant is not present in population databases (ExAC no frequency). Advanced modeling of protein sequence and biophysical properties (such as structural, functional, and spatial information, amino acid conservation, physicochemical variation, residue mobility, and thermodynamic stability) performed at Invitae indicates that this missense variant is not expected to disrupt TSC2 protein function. In summary, the available evidence is currently insufficient to determine the role of this variant in disease. Therefore, it has been classified as a Variant of Uncertain Significance.

NM_000548.5(TSC2):c.5273C>T (p.Ala1758Val)

Gene: TSC2 (TSC complex subunit 2; plus strand). Cytogenetic location: 16p13.3.
Variant type: single nucleotide variant.
Coding change: c.5273C>T on transcript NM_000548.5 (MANE Select); coding-DNA position 5273, C replaced by T.
Protein change: p.Ala1758Val; replaces alanine 1758 with valine.
Molecular consequence: missense variant.
Genome position (GRCh38, 1-based): chr16:2,088,459, C>T. VCF-style: chr16-2088459-C-T. GRCh37 (hg19) VCF-style: chr16-2138460-C-T.
Other names: c.5273C>T (NM_000548.3); c.5072C>T, p.Ala1691Val (NM_001077183.3); c.5204C>T, p.Ala1735Val (NM_001114382.3); c.4964C>T, p.Ala1655Val (NM_001318827.2); c.4928C>T, p.Ala1643Val (NM_001318829.2); c.4541C>T, p.Ala1514Val (NM_001318831.2); c.5105C>T, p.Ala1702Val (NM_001318832.2); c.5075C>T, p.Ala1692Val (NM_001363528.2); and 3 more; short protein forms A1691V, A1702V, A1758V, A1655V, A1711V, A1715V, A1735V, A1714V.
Identifiers: ClinVar variation 1413396 (VCV001413396.7), dbSNP rs547597044, ClinGen allele CA394315135.
Genomic context (GRCh38, chr16:2,088,459, plus strand): 5'-GTTGCCACGCCTCCCAGACTTACTGCCCAAGCCGCCTCTGCCTTCAGATCTGCGAGGAAG[C>T]CGCCTACTCCAACCCCAGCCTACCTCTGGTGCACCCTCCGTCCCATAGCAAAGCCCCTGC-3'
Protein context (NP_000539.2, residues 1748-1768): KRLRQRICEE[Ala1758Val]AYSNPSLPLV